The following is an entry in ClinVar:

NM_005045.4(RELN):c.9605+6T>C

Genes: SLC26A5-AS1 (SLC26A5 antisense RNA 1; plus strand), RELN (reelin; minus strand), LOC126860130 (BRD4-independent group 4 enhancer GRCh37_chr7:103130126-103131325; plus strand). Cytogenetic location: 7q22.1.
Variant type: single nucleotide variant.
Coding change: c.9605+6T>C on transcript NM_005045.4 (MANE Select); 6 bases into the intron after coding-DNA position 9605, T replaced by C.
Molecular consequence: intron variant.
Genome position (GRCh38, 1-based): chr7:103,490,662, A>G on the plus strand (T>C on the coding strand, the complement: RELN is on the minus strand). VCF-style: chr7-103490662-A-G. GRCh37 (hg19) VCF-style: chr7-103131109-A-G.
Other names: c.9605+6T>C (NM_173054.3).
Identifiers: ClinVar variation 1002366 (VCV001002366.9), dbSNP rs376881823, ClinGen allele CA163904572.

ClinVar aggregate classification (germline): Uncertain significance (1 of 4 stars; one submission).

Conditions:
Norman-Roberts syndrome (LIS2). Also called: Lissencephaly 2 (Norman-Roberts type). Identifiers: Orphanet 89844, MedGen C0796089, MONDO:0009760, OMIM 257320.
Familial temporal lobe epilepsy 7. Identifiers: Orphanet 101046, MedGen C4225327, MONDO:0014639, OMIM 616436.

Allele frequency attached by ClinVar (database versions not stated): TOPMed 0.00001.
gnomAD v4.1: 5 of 1,613,982 alleles (0.00031%); highest among the groups gnomAD compares: African/African-American, 0.004%; no homozygotes.

Submission:

Labcorp Genetics (formerly Invitae), Labcorp
Classification: Uncertain significance for Familial temporal lobe epilepsy 7; Norman-Roberts syndrome. Last evaluated: 2024-11-03. Review status: criteria provided, single submitter. Criteria: Invitae Variant Classification Sherloc (09022015). Collection method: clinical testing. Allele origin: germline.
Comment: This sequence change falls in intron 59 of the RELN gene. It does not directly change the encoded amino acid sequence of the RELN protein. It affects a nucleotide within the consensus splice site. This variant is present in population databases (no rsID available, gnomAD 0.01%). This variant has not been reported in the literature in individuals affected with RELN-related conditions. ClinVar contains an entry for this variant (Variation ID: 1002366). Variants that disrupt the consensus splice site are a relatively common cause of aberrant splicing (PMID: 17576681, 9536098). Algorithms developed to predict the effect of sequence changes on RNA splicing suggest that this variant may create or strengthen a splice site. In summary, the available evidence is currently insufficient to determine the role of this variant in disease. Therefore, it has been classified as a Variant of Uncertain Significance.

Literature cited by the submitters: PubMed 17576681; PubMed 9536098.